The following is an entry in ClinVar:

ClinVar aggregate classification (germline): Uncertain significance (1 of 4 stars; one submission).

Conditions:
MEGF10-related myopathy (CMYO10A). Also called: Congenital myopathy 10A, severe variant. Identifiers: Orphanet 439212, MedGen C3280679, MONDO:0013731, OMIM 614399.

Allele frequency attached by ClinVar (database versions not stated): gnomAD exomes below 0.00001; ExAC 0.00002; gnomAD 0.00003; TOPMed 0.00003.
gnomAD v4.1: 7 of 1,614,008 alleles (0.00043%); highest among the groups gnomAD compares: African/African-American, 0.0067%; no homozygotes.

Submission:

Labcorp Genetics (formerly Invitae), Labcorp
Classification: Uncertain significance for MEGF10-related myopathy. Last evaluated: 2022-04-25. Review status: criteria provided, single submitter. Criteria: Invitae Variant Classification Sherloc (09022015). Collection method: clinical testing. Allele origin: germline.
Comment: This sequence change affects codon 729 of the MEGF10 mRNA. It is a 'silent' change, meaning that it does not change the encoded amino acid sequence of the MEGF10 protein. In summary, the available evidence is currently insufficient to determine the role of this variant in disease. Therefore, it has been classified as a Variant of Uncertain Significance. Algorithms developed to predict the effect of sequence changes on RNA splicing suggest that this variant may create or strengthen a splice site. This variant has not been reported in the literature in individuals affected with MEGF10-related conditions. This variant is present in population databases (rs756622342, gnomAD 0.01%).

NM_001256545.2(MEGF10):c.2187G>A (p.Gly729=)

Gene: MEGF10 (multiple EGF like domains 10; plus strand). Cytogenetic location: 5q23.2.
Variant type: single nucleotide variant.
Coding change: c.2187G>A on transcript NM_001256545.2 (MANE Select); coding-DNA position 2187, G replaced by A.
Protein change: p.Gly729=; no amino-acid change (glycine 729 retained).
Molecular consequence: synonymous variant.
Genome position (GRCh38, 1-based): chr5:127,438,521, G>A. VCF-style: chr5-127438521-G-A. GRCh37 (hg19) VCF-style: chr5-126774213-G-A.
Other names: c.2187G>A, p.Gly729= (NM_032446.3).
Identifiers: ClinVar variation 2039822 (VCV002039822.4), dbSNP rs756622342, ClinGen allele CA3391864.
Genomic context (GRCh38, chr5:127,438,521, plus strand): 5'-CCCAAACTGCATCCACACGTGCAACTGCCATAATGGAGCTTTCTGCAGCGCCTACGATGG[G>A]GAATGTAAATGCACTCCTGGCTGGACAGGGCTCTACTGCACTCAGAGTAAGTGACAAGCC-3'
Protein context (NP_001243474.1, residues 719-739): HNGAFCSAYD[Gly729=]ECKCTPGWTG